The following is an entry in ClinVar:

NM_032119.4(ADGRV1):c.9907-1G>A

Gene: ADGRV1 (adhesion G protein-coupled receptor V1; plus strand). Cytogenetic location: 5q14.3.
Variant type: single nucleotide variant.
Coding change: c.9907-1G>A on transcript NM_032119.4 (MANE Select); the canonical splice acceptor site of the intron before coding-DNA position 9907, G replaced by A.
Molecular consequence: splice acceptor variant.
Genome position (GRCh38, 1-based): chr5:90,725,085, G>A. VCF-style: chr5-90725085-G-A. GRCh37 (hg19) VCF-style: chr5-90020902-G-A.
Identifiers: ClinVar variation 867137 (VCV000867137.11), dbSNP rs769286352, ClinGen allele CA3340627.

ClinVar aggregate classification (germline): Pathogenic/Likely pathogenic. Review status: criteria provided, multiple submitters, no conflicts (2 of 4 stars). 4 submissions from 4 submitters: Pathogenic (1); Likely pathogenic (3). Last evaluated 2023-04-24.

Conditions:
ADGRV1-related disorder. Also called: ADGRV1-related condition; ADGRV1-related disorders.
Febrile seizures, familial, 4 (FEB4). Also called: CONVULSIONS, FAMILIAL FEBRILE, 4. Identifiers: MedGen C1858493, MONDO:0011443, OMIM 604352.
Usher syndrome type 2C. Also called: Usher syndrome, type 2B; USHER SYNDROME, TYPE IIC. Identifiers: Orphanet 231178, Orphanet 886, MedGen C2931213, MONDO:0011558, OMIM 605472.

Allele frequency attached by ClinVar (database versions not stated): gnomAD exomes below 0.00001; ExAC 0.00001; gnomAD 0.00001.
gnomAD v4.1: 6 of 1,535,806 alleles (0.00039%); highest among the groups gnomAD compares: Non-Finnish European, 0.00053%; no homozygotes.

Submissions (4):

Labcorp Genetics (formerly Invitae), Labcorp
Classification: Pathogenic. Last evaluated: 2023-04-24. Review status: criteria provided, single submitter. Criteria: Invitae Variant Classification Sherloc (09022015). Collection method: clinical testing. Allele origin: germline.
Comment: This sequence change affects an acceptor splice site in intron 46 of the ADGRV1 gene. It is expected to disrupt RNA splicing. Variants that disrupt the donor or acceptor splice site typically lead to a loss of protein function (PMID: 16199547), and loss-of-function variants in ADGRV1 are known to be pathogenic (PMID: 19357117, 22135276, 22147658, 26226137, 30718709, 31047384, 32467589). This variant is present in population databases (rs769286352, gnomAD 0.001%). Disruption of this splice site has been observed in individuals with clinical features of Usher syndrome and/or deafness (Invitae). ClinVar contains an entry for this variant (Variation ID: 867137). Algorithms developed to predict the effect of sequence changes on RNA splicing suggest that this variant may disrupt the consensus splice site. For these reasons, this variant has been classified as Pathogenic.

Blueprint Genetics
Classification: Likely pathogenic for ADGRV1-related disorders. Last evaluated: 2022-03-28. Review status: criteria provided, single submitter. Criteria: ACMG Guidelines, 2015. Collection method: clinical testing. Allele origin: germline. Affected: yes. Observed: 3 variant alleles.

Fulgent Genetics
Classification: Likely pathogenic for Febrile seizures, familial, 4; Usher syndrome type 2C. Last evaluated: 2022-02-27. Review status: criteria provided, single submitter. Criteria: ACMG Guidelines, 2015. Collection method: clinical testing. Allele origin: unknown.

GeneDx
Classification: Likely pathogenic. Last evaluated: 2019-04-24. Review status: criteria provided, single submitter. Criteria: GeneDx Variant Classification Process June 2021. Collection method: clinical testing. Allele origin: germline. Affected: yes.
Comment: Canonical splice site variant predicted to result in an in-frame deletion of a critical region; Not observed at a significant frequency in large population cohorts (Lek et al., 2016); Has not been previously published as pathogenic or benign to our knowledge

Literature cited by the submitters: PubMed 16199547 (cited by Labcorp Genetics (formerly Invitae), Labcorp); PubMed 19357117 (cited by Labcorp Genetics (formerly Invitae), Labcorp); PubMed 22135276 (cited by Labcorp Genetics (formerly Invitae), Labcorp); PubMed 22147658 (cited by Labcorp Genetics (formerly Invitae), Labcorp); PubMed 26226137 (cited by Labcorp Genetics (formerly Invitae), Labcorp); PubMed 30718709 (cited by Labcorp Genetics (formerly Invitae), Labcorp); PubMed 31047384 (cited by Labcorp Genetics (formerly Invitae), Labcorp); PubMed 32467589 (cited by Labcorp Genetics (formerly Invitae), Labcorp).